The following is an entry in ClinVar:

ClinVar aggregate classification (germline): Uncertain significance. Review status: criteria provided, multiple submitters, no conflicts (2 of 4 stars). 2 submissions from 2 submitters: Uncertain significance (2). Last evaluated 2023-04-10.

Conditions:
Congenital myotonia, autosomal dominant form (THD). Also called: THOMSEN DISEASE; Myotonia congenita autosomal dominant. Identifiers: Orphanet 614, MedGen C2936781, MONDO:0008055, OMIM 160800.
Congenital myotonia, autosomal recessive form. Also called: Becker Generalized Myotonia; myotonia congenita, autosomal recessive; BECKER DISEASE. Identifiers: Orphanet 614, MedGen C0751360, MONDO:0009715, OMIM 255700.
Batten-Turner congenital myopathy. Also called: Myotonia congenita; Congenital myotonia. Identifiers: Orphanet 206973, MedGen C0027127, MONDO:0100468, OMIM 255300.

Allele frequency attached by ClinVar (database versions not stated): gnomAD exomes 0.00001.
gnomAD v4.1: 8 of 1,612,458 alleles (0.0005%); highest among the groups gnomAD compares: South Asian, 0.0044%; no homozygotes.

Submissions (2):

Labcorp Genetics (formerly Invitae), Labcorp
Classification: Uncertain significance for Congenital myotonia, autosomal recessive form; Congenital myotonia, autosomal dominant form. Last evaluated: 2023-04-10. Review status: criteria provided, single submitter. Criteria: Invitae Variant Classification Sherloc (09022015). Collection method: clinical testing. Allele origin: germline.
Comment: In summary, the available evidence is currently insufficient to determine the role of this variant in disease. Therefore, it has been classified as a Variant of Uncertain Significance. Advanced modeling of protein sequence and biophysical properties (such as structural, functional, and spatial information, amino acid conservation, physicochemical variation, residue mobility, and thermodynamic stability) performed at Invitae indicates that this missense variant is not expected to disrupt CLCN1 protein function. ClinVar contains an entry for this variant (Variation ID: 908200). This variant has not been reported in the literature in individuals affected with CLCN1-related conditions. This variant is not present in population databases (gnomAD no frequency). This sequence change replaces proline, which is neutral and non-polar, with leucine, which is neutral and non-polar, at codon 755 of the CLCN1 protein (p.Pro755Leu).

Illumina Laboratory Services, Illumina
Classification: Uncertain significance for Myotonia congenita. Last evaluated: 2017-04-27. Review status: criteria provided, single submitter. Criteria: ICSL Variant Classification Criteria 13 December 2019. Collection method: clinical testing. Allele origin: germline.
Comment: This variant was observed as part of a predisposition screen in an ostensibly healthy population. A literature search was performed for the gene, cDNA change, and amino acid change (where applicable). Publications were found based on this search. However, the evidence from the literature, in combination with allele frequency data from public databases where available, was not sufficient to rule this variant in or out of causing disease. Therefore, this variant is classified as a variant of unknown significance.

Literature cited by the submitters: PubMed 10215406 (cited by Illumina Laboratory Services, Illumina).

NM_000083.3(CLCN1):c.2264C>T (p.Pro755Leu)

Gene: CLCN1 (chloride voltage-gated channel 1; plus strand). Cytogenetic location: 7q34.
Variant type: single nucleotide variant.
Coding change: c.2264C>T on transcript NM_000083.3 (MANE Select); coding-DNA position 2264, C replaced by T.
Protein change: p.Pro755Leu; replaces proline 755 with leucine.
Molecular consequence: missense variant. On other transcripts: non-coding transcript variant (1).
Genome position (GRCh38, 1-based): chr7:143,346,231, C>T. VCF-style: chr7-143346231-C-T. GRCh37 (hg19) VCF-style: chr7-143043324-C-T.
Other names: short protein forms P755L.
Identifiers: ClinVar variation 908200 (VCV000908200.7), dbSNP rs1803241372, ClinGen allele CA369651475.